The following is an entry in ClinVar:

NM_032043.3(BRIP1):c.19G>A (p.Glu7Lys)

Gene: BRIP1 (BRCA1 interacting DNA helicase 1; minus strand). Cytogenetic location: 17q23.2.
Variant type: single nucleotide variant.
Coding change: c.19G>A on transcript NM_032043.3 (MANE Select); coding-DNA position 19, G replaced by A.
Protein change: p.Glu7Lys; replaces glutamic acid 7 with lysine.
Molecular consequence: missense variant.
Genome position (GRCh38, 1-based): chr17:61,861,521, C>T on the plus strand (G>A on the coding strand, the complement: BRIP1 is on the minus strand). VCF-style: chr17-61861521-C-T. GRCh37 (hg19) VCF-style: chr17-59938882-C-T.
Other names: c.19G>A (NM_032043.2); short protein forms E7K.
Identifiers: ClinVar variation 1445325 (VCV001445325.8), dbSNP rs1246321339, ClinGen allele CA400486061.

ClinVar aggregate classification (germline): Uncertain significance. Review status: criteria provided, multiple submitters, no conflicts (2 of 4 stars). 2 submissions from 2 submitters: Uncertain significance (2). Last evaluated 2025-02-28.

Conditions:
Hereditary cancer-predisposing syndrome. Also called: Tumor predisposition; Hereditary neoplastic syndrome; Hereditary Cancer Syndrome; Neoplastic Syndromes, Hereditary. Identifiers: Orphanet 140162, MedGen C0027672, MeSH D009386, MONDO:0015356.
Familial cancer of breast. Also called: BREAST CANCER, FAMILIAL; Hereditary breast cancer; hereditary breast carcinoma. Identifiers: Orphanet 227535, MedGen C0346153, MONDO:0016419, OMIM 114480. Disease mechanism: loss of function.
Fanconi anemia complementation group J. Also called: BRIP1-Related Fanconi Anemia. Identifiers: Orphanet 84, MedGen C1836860, MONDO:0012187, OMIM 609054.

Submissions (2):

Ambry Genetics
Classification: Uncertain significance for Hereditary cancer-predisposing syndrome. Last evaluated: 2025-02-28. Review status: criteria provided, single submitter. Criteria: Ambry Variant Classification Scheme 2023. Collection method: clinical testing. Allele origin: germline.
Comment: The p.E7K variant (also known as c.19G>A), located in coding exon 1 of the BRIP1 gene, results from a G to A substitution at nucleotide position 19. The glutamic acid at codon 7 is replaced by lysine, an amino acid with similar properties. This alteration was identified in an individual diagnosed with ovarian cancer (Jorge S et al. Gynecol Oncol, 2020 Mar;156:517-522). This amino acid position is well conserved in available vertebrate species. In addition, this alteration is predicted to be tolerated by in silico analysis. Based on the available evidence, the clinical significance of this variant remains unclear.

Labcorp Genetics (formerly Invitae), Labcorp
Classification: Uncertain significance for Familial cancer of breast; Fanconi anemia complementation group J. Last evaluated: 2021-12-08. Review status: criteria provided, single submitter. Criteria: Invitae Variant Classification Sherloc (09022015). Collection method: clinical testing. Allele origin: germline.
Comment: This sequence change replaces glutamic acid, which is acidic and polar, with lysine, which is basic and polar, at codon 7 of the BRIP1 protein (p.Glu7Lys). In summary, the available evidence is currently insufficient to determine the role of this variant in disease. Therefore, it has been classified as a Variant of Uncertain Significance. Algorithms developed to predict the effect of missense changes on protein structure and function are either unavailable or do not agree on the potential impact of this missense change (SIFT: "Deleterious"; PolyPhen-2: "Benign"; Align-GVGD: "Class C0"). This variant has not been reported in the literature in individuals affected with BRIP1-related conditions. This variant is not present in population databases (gnomAD no frequency).

Literature cited by the submitters: PubMed 31883735 (cited by Ambry Genetics).